The following is an entry in ClinVar:

ClinVar aggregate classification (germline): Uncertain significance. Review status: criteria provided, multiple submitters, no conflicts (2 of 4 stars). 2 submissions from 2 submitters: Uncertain significance (2). Last evaluated 2024-04-22.

Conditions:
Hereditary cancer-predisposing syndrome. Also called: Hereditary neoplastic syndrome; Tumor predisposition; Neoplastic Syndromes, Hereditary; Hereditary Cancer Syndrome. Identifiers: Orphanet 140162, MedGen C0027672, MeSH D009386, MONDO:0015356.

Allele frequency attached by ClinVar (database versions not stated): gnomAD exomes 0.00001; ExAC 0.00002.
gnomAD v4.1: 5 of 1,613,756 alleles (0.00031%); highest among the groups gnomAD compares: South Asian, 0.0033%; no homozygotes.

Submissions (2):

Ambry Genetics
Classification: Uncertain significance for Hereditary cancer-predisposing syndrome. Last evaluated: 2024-04-22. Review status: criteria provided, single submitter. Criteria: Ambry Variant Classification Scheme 2023. Collection method: clinical testing. Allele origin: germline.
Comment: The p.R706Q variant (also known as c.2117G>A), located in coding exon 13 of the RAD50 gene, results from a G to A substitution at nucleotide position 2117. The arginine at codon 706 is replaced by glutamine, an amino acid with highly similar properties. This amino acid position is conserved. In addition, the in silico prediction for this alteration is inconclusive. Based on the available evidence, the clinical significance of this variant remains unclear.

Labcorp Genetics (formerly Invitae), Labcorp
Classification: Uncertain significance for Hereditary cancer-predisposing syndrome. Last evaluated: 2023-10-05. Review status: criteria provided, single submitter. Criteria: Invitae Variant Classification Sherloc (09022015). Collection method: clinical testing. Allele origin: germline.
Comment: This sequence change replaces arginine, which is basic and polar, with glutamine, which is neutral and polar, at codon 706 of the RAD50 protein (p.Arg706Gln). This variant is present in population databases (rs773566981, gnomAD 0.006%). This variant has not been reported in the literature in individuals affected with RAD50-related conditions. ClinVar contains an entry for this variant (Variation ID: 569421). Advanced modeling of protein sequence and biophysical properties (such as structural, functional, and spatial information, amino acid conservation, physicochemical variation, residue mobility, and thermodynamic stability) performed at Invitae indicates that this missense variant is not expected to disrupt RAD50 protein function. In summary, the available evidence is currently insufficient to determine the role of this variant in disease. Therefore, it has been classified as a Variant of Uncertain Significance.

NM_005732.4(RAD50):c.2117G>A (p.Arg706Gln)

Gene: RAD50 (RAD50 double strand break repair protein; plus strand). Cytogenetic location: 5q31.1.
Variant type: single nucleotide variant.
Coding change: c.2117G>A on transcript NM_005732.4 (MANE Select); coding-DNA position 2117, G replaced by A.
Protein change: p.Arg706Gln; replaces arginine 706 with glutamine.
Molecular consequence: missense variant.
Genome position (GRCh38, 1-based): chr5:132,595,720, G>A. VCF-style: chr5-132595720-G-A. GRCh37 (hg19) VCF-style: chr5-131931412-G-A.
Other names: short protein forms R706Q.
Identifiers: ClinVar variation 569421 (VCV000569421.11), dbSNP rs773566981, ClinGen allele CA3405333.
Genomic context (GRCh38, chr5:132,595,720, plus strand): 5'-GAGTTTTTCAGACAGAGGCTGAGTTACAAGAAGTCATCAGTGATTTGCAGTCTAAACTGC[G>A]ACTTGCTCCAGATAAACTCAAGTCAACAGAATCAGAGCTAAAAAAAAAGGAAAAGCGGCG-3'
Protein context (NP_005723.2, residues 696-716): EVISDLQSKL[Arg706Gln]LAPDKLKSTE